The following is an entry in ClinVar:

ClinVar aggregate classification (germline): Pathogenic (1 of 4 stars; one submission).

Conditions:
Atypical hemolytic-uremic syndrome. Identifiers: Orphanet 2134, MedGen C2931788, MONDO:0016244.

Submission:

Genomenon, Inc
Classification: Pathogenic for Atypical hemolytic-uremic syndrome. Last evaluated: 2025-10-02. Review status: criteria provided, single submitter. Criteria: Genomenon Sequence Variant Interpretation Standards. Collection method: curation. Allele origin: germline. Affected: yes.
Comment: CD46 p.Asp257ValfsTer41 (c.770del) is a frameshift variant that results in the production of a truncated protein which is predicted to undergo nonsense-mediated mRNA decay. This variant has been observed in at least one proband affected with atypical hemolytic-uremic syndrome (PMID:29282226;21906045). It is absent or not present at a significant frequency in gnomAD. In conclusion, we classify CD46 p.Asp257ValfsTer41 (c.770del) as a pathogenic variant.

Literature cited by the submitters: PubMed 29282226; PubMed 21906045.

NM_172351.3(CD46):c.770del (p.Asp257fs)

Gene: CD46 (CD46 molecule; plus strand). Cytogenetic location: 1q32.2.
Variant type: Deletion.
Coding change: c.770del on transcript NM_172351.3 (MANE Select); coding-DNA position 770, one base deleted (A; older notation c.770delA).
Protein change: p.Asp257fs; shifts the reading frame from aspartic acid 257.
Molecular consequence: frameshift variant.
Genome position (GRCh38, 1-based): chr1:207,767,109, A deleted. VCF-style (leftmost placement, unchanged base first): chr1-207767108-GA-G. GRCh37 (hg19) VCF-style: chr1-207940453-GA-G.
Other names: c.770del, p.Asp257fs (NM_002389.4, NM_153826.4, NM_172350.3 and 8 more transcripts); short protein forms D257fs.
Identifiers: ClinVar variation 4291191 (VCV004291191.1).
Genomic context (GRCh38, chr1:207,767,108, plus strand): 5'-AAACAGATATCAGGATTTGGAAAAAAATTTTACTACAAAGCAACAGTTATGTTTGAATGC[GA>G]TAAGGGTTTTTACCTCGATGGCAGCGACACAATTGTCTGTGACAGTAACAGTACTTGGGA-3'